The following is an entry in ClinVar:

NM_005148.4(UNC119):c.73G>A (p.Val25Met)

Genes: UNC119 (unc-119 lipid binding chaperone; minus strand), LOC130060555 (ATAC-STARR-seq lymphoblastoid silent region 8343; plus strand). Cytogenetic location: 17q11.2.
Variant type: single nucleotide variant.
Coding change: c.73G>A on transcript NM_005148.4 (MANE Select); coding-DNA position 73, G replaced by A.
Protein change: p.Val25Met; replaces valine 25 with methionine.
Molecular consequence: missense variant. On other transcripts: 5 prime UTR variant (1).
Genome position (GRCh38, 1-based): chr17:28,552,485, C>T on the plus strand (G>A on the coding strand, the complement: UNC119 is on the minus strand). VCF-style: chr17-28552485-C-T. GRCh37 (hg19) VCF-style: chr17-26879503-C-T.
Other names: c.-241G>A (NM_001330166.2); c.73G>A, p.Val25Met (NM_054035.2); short protein forms V25M.
Identifiers: ClinVar variation 4779489 (VCV004779489.1).

ClinVar aggregate classification (germline): Uncertain significance (1 of 4 stars; one submission).

gnomAD v4.1: 1 of 1,573,070 alleles (0.000064%); no homozygotes.

Submission:

Labcorp Genetics (formerly Invitae), Labcorp
Classification: Uncertain significance. Last evaluated: 2025-10-21. Review status: criteria provided, single submitter. Criteria: Invitae Variant Classification Sherloc (09022015). Collection method: clinical testing. Allele origin: germline.
Comment: This sequence change replaces valine, which is neutral and non-polar, with methionine, which is neutral and non-polar, at codon 25 of the UNC119 protein (p.Val25Met). This variant is not present in population databases (gnomAD no frequency). This variant has not been reported in the literature in individuals affected with UNC119-related conditions. An algorithm developed to predict the effect of missense changes on protein structure and function (PolyPhen-2) suggests that this variant is likely to be tolerated. In summary, the available evidence is currently insufficient to determine the role of this variant in disease. Therefore, it has been classified as a Variant of Uncertain Significance.